The following is an entry in ClinVar:

ClinVar aggregate classification (germline): Uncertain significance. Review status: criteria provided, multiple submitters, no conflicts (2 of 4 stars). 2 submissions from 2 submitters: Uncertain significance (2). Last evaluated 2026-06-29.

Conditions:
MEPE-related disorder. Also called: MEPE-related condition.

Submissions (2):

PreventionGenetics, part of Exact Sciences
Classification: Uncertain significance for MEPE-related condition. Last evaluated: 2026-06-29. Review status: criteria provided, single submitter. Criteria: ACMG Guidelines, 2015. Collection method: clinical testing. Allele origin: germline.
Comment: The MEPE c.229G>T variant is predicted to result in the amino acid substitution p.Gly77Cys. To our knowledge, this variant has not been reported in the literature or in a large population database (gnomAD), indicating this variant is rare. At this time, the clinical significance of this variant is uncertain due to the absence of conclusive functional and genetic evidence.

Ambry Genetics
Classification: Uncertain significance. Last evaluated: 2022-07-12. Review status: criteria provided, single submitter. Criteria: Ambry Variant Classification Scheme 2023. Collection method: clinical testing. Allele origin: germline.

NM_020203.6(MEPE):c.136G>T (p.Gly46Cys)

Genes: MEPE (matrix extracellular phosphoglycoprotein; plus strand), MEPE-AS1 (MEPE and IBSP antisense RNA 1; minus strand). Cytogenetic location: 4q22.1.
Variant type: single nucleotide variant.
Coding change: c.136G>T on transcript NM_020203.6 (MANE Select); coding-DNA position 136, G replaced by T.
Protein change: p.Gly46Cys; replaces glycine 46 with cysteine.
Molecular consequence: missense variant. On other transcripts: 5 prime UTR variant (3).
Genome position (GRCh38, 1-based): chr4:87,845,004, G>T. VCF-style: chr4-87845004-G-T. GRCh37 (hg19) VCF-style: chr4-88766156-G-T.
Other names: c.229G>T (NM_001291183.1); c.136G>T, p.Gly46Cys (NM_001184694.3); c.-204G>T (NM_001184695.4, NM_001184696.2, NM_001184697.2); c.229G>T, p.Gly77Cys (NM_001291183.2); short protein forms G77C, G46C.
Identifiers: ClinVar variation 2301083 (VCV002301083.3), dbSNP rs577867340, ClinGen allele CA357613610.